The following is an entry in ClinVar:

NM_002691.4(POLD1):c.197C>T (p.Ala66Val)

Gene: POLD1 (DNA polymerase delta 1, catalytic subunit; plus strand). Cytogenetic location: 19q13.33.
Variant type: single nucleotide variant.
Coding change: c.197C>T on transcript NM_002691.4 (MANE Select); coding-DNA position 197, C replaced by T.
Protein change: p.Ala66Val; replaces alanine 66 with valine.
Molecular consequence: missense variant. On other transcripts: non-coding transcript variant (1).
Genome position (GRCh38, 1-based): chr19:50,399,048, C>T. VCF-style: chr19-50399048-C-T. GRCh37 (hg19) VCF-style: chr19-50902305-C-T.
Other names: c.197C>T, p.Ala66Val (NM_001256849.1, NM_001308632.1); short protein forms A66V.
Identifiers: ClinVar variation 578494 (VCV000578494.10), dbSNP rs199792522, ClinGen allele CA406970356.
Genomic context (GRCh38, chr19:50,399,048, plus strand): 5'-CAGAACACAGGCTGCAGGAGCAGGAGGAGGAGGAGCTGCAGTCAGTCCTGGAGGGGGTTG[C>T]AGACGGTAAGGCTTGGAGTTGGAGGTTCCTGCTGCCCAACCCATTGCCCCTGGTCTTGCC-3'
Protein context (NP_002682.2, residues 56-76): EELQSVLEGV[Ala66Val]DGQVPPSAID

ClinVar aggregate classification (germline): Uncertain significance. Review status: criteria provided, multiple submitters, no conflicts (2 of 4 stars). 2 submissions from 2 submitters: Uncertain significance (2). Last evaluated 2025-06-14.

Conditions:
POLD1-related polyposis and colorectal cancer syndrome (CRCS10). Also called: Colorectal cancer 10; COLORECTAL CANCER, SUSCEPTIBILITY TO, ON CHROMOSOME 19q; Colorectal cancer, susceptibility to, 10. Identifiers: Orphanet 220460, MedGen C2675481, MONDO:0012953, OMIM 612591.

gnomAD v4.1: 2 of 1,552,826 alleles (0.00013%); highest among the groups gnomAD compares: South Asian, 0.0024%; no homozygotes.

Submissions (2):

Labcorp Genetics (formerly Invitae), Labcorp
Classification: Uncertain significance for POLD1-related polyposis and colorectal cancer syndrome. Last evaluated: 2025-06-14. Review status: criteria provided, single submitter. Criteria: Invitae Variant Classification Sherloc (09022015). Collection method: clinical testing. Allele origin: germline.
Comment: This sequence change replaces alanine, which is neutral and non-polar, with valine, which is neutral and non-polar, at codon 66 of the POLD1 protein (p.Ala66Val). This variant is not present in population databases (gnomAD no frequency). This variant has not been reported in the literature in individuals affected with POLD1-related conditions. ClinVar contains an entry for this variant (Variation ID: 578494). Invitae Evidence Modeling of protein sequence and biophysical properties (such as structural, functional, and spatial information, amino acid conservation, physicochemical variation, residue mobility, and thermodynamic stability) indicates that this missense variant is not expected to disrupt POLD1 protein function with a negative predictive value of 80%. In summary, the available evidence is currently insufficient to determine the role of this variant in disease. Therefore, it has been classified as a Variant of Uncertain Significance.

GeneDx
Classification: Uncertain significance. Last evaluated: 2019-05-15. Review status: criteria provided, single submitter. Criteria: GeneDx Variant Classification Process June 2021. Collection method: clinical testing. Allele origin: germline. Affected: yes.
Comment: Not observed in large population cohorts (Lek et al., 2016); In silico analysis, which includes protein predictors and evolutionary conservation, supports that this variant does not alter protein structure/function; Has not been previously published as pathogenic or benign to our knowledge